The following is an entry in ClinVar:

NM_002618.4(PEX13):c.573_582del (p.Arg193fs)

Gene: PEX13 (peroxisomal biogenesis factor 13; plus strand). Cytogenetic location: 2p15.
Variant type: Deletion.
Coding change: c.573_582del on transcript NM_002618.4 (MANE Select); coding-DNA positions 573 to 582, 10 bases deleted (TTACAGACGG; older notation c.573_582delTTACAGACGG).
Protein change: p.Arg193fs; shifts the reading frame from arginine 193.
Molecular consequence: frameshift variant.
Genome position (GRCh38, 1-based): chr2:61,031,899-61,031,908, TTACAGACGG deleted. VCF-style (leftmost placement, unchanged base first): chr2-61031898-TTTACAGACGG-T. GRCh37 (hg19) VCF-style: chr2-61259033-TTTACAGACGG-T.
Other names: c.573_582del10 (NM_002618.3); short protein forms R193fs.
Identifiers: ClinVar variation 2584448 (VCV002584448.2), dbSNP rs2467508347, ClinGen allele CA2582342397.
Genomic context (GRCh38, chr2:61,031,898, plus strand): 5'-TGAAAATACACTTTACAAAAGTGTTTTCAGCTTTTGCATTGGTTAGGACTATACGGTATC[TTTACAGACGG>T]CTACAGCGGATGTTAGGTTTAAGAAGAGGCTCTGAGAATGAAGACCTCTGGGCAGAGAGT-3'

ClinVar aggregate classification (germline): Pathogenic. Review status: criteria provided, multiple submitters, no conflicts (2 of 4 stars). 2 submissions from 2 submitters: Pathogenic (2). Last evaluated 2023-09-02.

Conditions:
Peroxisome biogenesis disorder. Identifiers: Orphanet 79189, MedGen C1832200, MONDO:0019234. Disease mechanism: loss of function.
PEX13-related disorder. Also called: PEX13-related condition; PEX13-related disorders.

Submissions (2):

Women's Health and Genetics/Laboratory Corporation of America, LabCorp
Classification: Pathogenic for Peroxisome biogenesis disorder. Last evaluated: 2023-09-02. Review status: criteria provided, single submitter. Criteria: LabCorp Variant Classification Summary - May 2015. Collection method: clinical testing. Allele origin: germline.
Comment: Variant summary: PEX13 c.573_582del10 (p.Arg193SerfsX4) results in a premature termination codon, predicted to cause a truncation of the encoded protein or absence of the protein due to nonsense mediated decay, which are commonly known mechanisms for disease. The variant was absent in 251416 control chromosomes (gnomAD). To our knowledge, no occurrence of c.573_582del10 in individuals affected with Peroxisome Biogenesis Disorders, Zellweger Syndrome Spectrum and no experimental evidence demonstrating its impact on protein function have been reported. No submitters have reported clinical-significance assessments for this variant to ClinVar after 2014. Based on the evidence outlined above, the variant was classified as pathogenic.

Rady Children's Institute for Genomic Medicine, Rady Children's Hospital San Diego
Classification: Pathogenic for PEX13-related disorders. Review status: criteria provided, single submitter. Criteria: ACMG Guidelines, 2015. Collection method: clinical testing. Allele origin: germline. Affected: yes.
Comment: This frameshifting variant in exon 2 of 4 introduces a premature stop codon and is therefore predicted to result in loss of normal protein function through either protein truncation or nonsense-mediated mRNA decay (NMD). This variant has not been previously reported or functionally characterized in the literature to our knowledge. Loss-of-function variation in PEX13 is an established mechanism of disease (PMID: 10332040, 20301621, 35854306). The c.573_582del (p.Arg193SerfsTer4) variant is absent from the gnomAD population database and thus is presumed to be rare. Based on the available evidence, the c.573_582del (p.Arg193SerfsTer4) variant is classified as Pathogenic.